The following is an entry in ClinVar:

NM_003151.4(STAT4):c.1718A>G (p.Tyr573Cys)

Gene: STAT4 (signal transducer and activator of transcription 4; minus strand). Cytogenetic location: 2q32.2.
Variant type: single nucleotide variant.
Coding change: c.1718A>G on transcript NM_003151.4 (MANE Select); coding-DNA position 1718, A replaced by G.
Protein change: p.Tyr573Cys; replaces tyrosine 573 with cysteine.
Molecular consequence: missense variant.
Genome position (GRCh38, 1-based): chr2:191,033,624, T>C on the plus strand (A>G on the coding strand, the complement: STAT4 is on the minus strand). VCF-style: chr2-191033624-T-C. GRCh37 (hg19) VCF-style: chr2-191898350-T-C.
Other names: c.1718A>G, p.Tyr573Cys (NM_001243835.2); short protein forms Y573C.
Identifiers: ClinVar variation 3612951 (VCV003612951.2).

ClinVar aggregate classification (germline): Uncertain significance (1 of 4 stars; one submission).

gnomAD v4.1: 20 of 1,609,824 alleles (0.0012%); highest among the groups gnomAD compares: Non-Finnish European, 0.0014%; no homozygotes.

Submission:

Labcorp Genetics (formerly Invitae), Labcorp
Classification: Uncertain significance. Last evaluated: 2025-07-25. Review status: criteria provided, single submitter. Criteria: Invitae Variant Classification Sherloc (09022015). Collection method: clinical testing. Allele origin: germline.
Comment: This sequence change replaces tyrosine, which is neutral and polar, with cysteine, which is neutral and slightly polar, at codon 573 of the STAT4 protein (p.Tyr573Cys). This variant is not present in population databases (gnomAD no frequency). This variant has not been reported in the literature in individuals affected with STAT4-related conditions. ClinVar contains an entry for this variant (Variation ID: 3612951). An algorithm developed to predict the effect of missense changes on protein structure and function outputs the following: PolyPhen-2: "Benign". The cysteine amino acid residue is found in multiple mammalian species, which suggests that this missense change does not adversely affect protein function. In summary, the available evidence is currently insufficient to determine the role of this variant in disease. Therefore, it has been classified as a Variant of Uncertain Significance.